The following is an entry in ClinVar:

ClinVar aggregate classification (germline): Uncertain significance. Review status: criteria provided, multiple submitters, no conflicts (2 of 4 stars). 2 submissions from 2 submitters: Uncertain significance (2). Last evaluated 2025-11-16.

Conditions:
Inborn genetic diseases. Identifiers: MedGen C0950123, MeSH D030342.

Submissions (2):

Labcorp Genetics (formerly Invitae), Labcorp
Classification: Uncertain significance. Last evaluated: 2025-11-16. Review status: criteria provided, single submitter. Criteria: Invitae Variant Classification Sherloc (09022015). Collection method: clinical testing. Allele origin: germline.
Comment: This sequence change replaces tyrosine, which is neutral and polar, with phenylalanine, which is neutral and non-polar, at codon 1549 of the ATR protein (p.Tyr1549Phe). This variant is not present in population databases (gnomAD no frequency). This variant has not been reported in the literature in individuals affected with ATR-related conditions. ClinVar contains an entry for this variant (Variation ID: 3221170). An algorithm developed to predict the effect of missense changes on protein structure and function (PolyPhen-2) suggests that this variant is likely to be disruptive. In summary, the available evidence is currently insufficient to determine the role of this variant in disease. Therefore, it has been classified as a Variant of Uncertain Significance.

Ambry Genetics
Classification: Uncertain significance for Inborn genetic diseases. Last evaluated: 2024-01-14. Review status: criteria provided, single submitter. Criteria: Ambry Variant Classification Scheme 2023. Collection method: clinical testing. Allele origin: germline.
Comment: The p.Y1549F variant (also known as c.4646A>T), located in coding exon 27 of the ATR gene, results from an A to T substitution at nucleotide position 4646. The tyrosine at codon 1549 is replaced by phenylalanine, an amino acid with highly similar properties. This amino acid position is conserved. In addition, this alteration is predicted to be tolerated by in silico analysis. Since supporting evidence is limited at this time, the clinical significance of this alteration remains unclear.

NM_001184.4(ATR):c.4646A>T (p.Tyr1549Phe)

Gene: ATR (ATR checkpoint kinase; minus strand). Cytogenetic location: 3q23.
Variant type: single nucleotide variant.
Coding change: c.4646A>T on transcript NM_001184.4 (MANE Select); coding-DNA position 4646, A replaced by T.
Protein change: p.Tyr1549Phe; replaces tyrosine 1549 with phenylalanine.
Molecular consequence: missense variant.
Genome position (GRCh38, 1-based): chr3:142,512,466, T>A on the plus strand (A>T on the coding strand, the complement: ATR is on the minus strand). VCF-style: chr3-142512466-T-A. GRCh37 (hg19) VCF-style: chr3-142231308-T-A.
Other names: c.4454A>T, p.Tyr1485Phe (NM_001354579.2); short protein forms Y1485F, Y1549F.
Identifiers: ClinVar variation 3221170 (VCV003221170.2), dbSNP rs2032628167, ClinGen allele CA354795968.